The following is an entry in ClinVar:

ClinVar aggregate classification (germline): Benign/Likely benign. Review status: criteria provided, multiple submitters, no conflicts (2 of 4 stars). 3 submissions from 3 submitters: Benign (1); Likely benign (2). Last evaluated 2025-11-21.

Conditions:
Renal cell carcinoma. Identifiers: Orphanet 217071, MedGen C0007134, MeSH D002292, MONDO:0005086, HP:0005584.
Hereditary cancer-predisposing syndrome. Also called: Hereditary neoplastic syndrome; Hereditary Cancer Syndrome; Tumor predisposition; Neoplastic Syndromes, Hereditary. Identifiers: Orphanet 140162, MedGen C0027672, MeSH D009386, MONDO:0015356.
Papillary renal cell carcinoma type 1 (RCCP1). Also called: RENAL CELL CARCINOMA, PAPILLARY, 1, SOMATIC; Renal adenocarcinoma; Renal cell carcinoma 1; Renal cell carcinoma, somatic. Identifiers: Orphanet 47044, MedGen C1336839, OMIM 605074, HP:0011797.

Allele frequency attached by ClinVar (database versions not stated): gnomAD exomes below 0.00001.
gnomAD v4.1: 1 of 1,614,154 alleles (0.000062%); highest among the groups gnomAD compares: Non-Finnish European, 0.000085%; no homozygotes.

Submissions (3):

Labcorp Genetics (formerly Invitae), Labcorp
Classification: Likely benign for Renal cell carcinoma. Last evaluated: 2025-11-21. Review status: criteria provided, single submitter. Criteria: Invitae Variant Classification Sherloc (09022015). Collection method: clinical testing. Allele origin: germline.

Myriad Genetics, Inc.
Classification: Benign for Papillary renal cell carcinoma type 1. Last evaluated: 2024-11-14. Review status: criteria provided, single submitter. Criteria: Myriad Autosomal Dominant, Autosomal Recessive and X-Linked Classification Criteria (2023). Collection method: clinical testing. Allele origin: unknown.
Comment: This variant is considered benign. This variant is a silent/synonymous amino acid change and it is not expected to impact splicing.

Ambry Genetics
Classification: Likely benign for Hereditary cancer-predisposing syndrome. Last evaluated: 2021-03-30. Review status: criteria provided, single submitter. Criteria: Ambry Variant Classification Scheme 2023. Collection method: clinical testing. Allele origin: germline.

NM_000245.4(MET):c.3726T>A (p.Gly1242=)

Gene: MET (MET proto-oncogene, receptor tyrosine kinase; plus strand). Cytogenetic location: 7q31.2.
Variant type: single nucleotide variant.
Coding change: c.3726T>A on transcript NM_000245.4 (MANE Select); coding-DNA position 3726, T replaced by A.
Protein change: p.Gly1242=; no amino-acid change (glycine 1242 retained).
Molecular consequence: synonymous variant.
Genome position (GRCh38, 1-based): chr7:116,783,397, T>A. VCF-style: chr7-116783397-T-A. GRCh37 (hg19) VCF-style: chr7-116423451-T-A.
Other names: c.3780T>A, p.Gly1260= (NM_001127500.3); c.2436T>A, p.Gly812= (NM_001324402.2).
Identifiers: ClinVar variation 1126839 (VCV001126839.12), dbSNP rs2117066669, ClinGen allele CA457219483.
Genomic context (GRCh38, chr7:116,783,397, plus strand): 5'-TTTTGGTCTTGCCAGAGACATGTATGATAAAGAATACTATAGTGTACACAACAAAACAGG[T>A]GCAAAGCTGCCAGTGAAGTGGATGGCTTTGGAAAGTCTGCAAACTCAAAAGTTTACCACC-3'
Protein context (NP_000236.2, residues 1232-1252): KEYYSVHNKT[Gly1242=]AKLPVKWMAL